The following is an entry in ClinVar:

ClinVar aggregate classification (germline): Benign (0 of 4 stars; one submission).

Conditions:
TNRC6B-related disorder. Also called: TNRC6B-related condition.

Allele frequency attached by ClinVar (database versions not stated): gnomAD exomes 0.00027; ExAC 0.00070; gnomAD 0.00174; 1000 Genomes Project 30x 0.00187; ESP Exome Variant Server 0.00203; TOPMed 0.00213; 1000 Genomes Project 0.00220.
gnomAD v4.1: 676 of 1,613,954 alleles (0.042%); highest among the groups gnomAD compares: African/African-American, 0.53%; 5 homozygotes.

Submission:

PreventionGenetics, part of Exact Sciences
Classification: Benign for TNRC6B-related condition. Last evaluated: 2021-04-01. Review status: no assertion criteria provided. Collection method: clinical testing. Allele origin: germline.
Comment: This variant is classified as benign based on ACMG/AMP sequence variant interpretation guidelines (Richards et al. 2015 PMID: 25741868, with internal and published modifications).

NM_001162501.2(TNRC6B):c.622A>G (p.Thr208Ala)

Gene: TNRC6B (trinucleotide repeat containing adaptor 6B; plus strand). Cytogenetic location: 22q13.1.
Variant type: single nucleotide variant.
Coding change: c.622A>G on transcript NM_001162501.2 (MANE Select); coding-DNA position 622, A replaced by G.
Protein change: p.Thr208Ala; replaces threonine 208 with alanine.
Molecular consequence: missense variant. On other transcripts: intron variant (1).
Genome position (GRCh38, 1-based): chr22:40,264,852, A>G. VCF-style: chr22-40264852-A-G. GRCh37 (hg19) VCF-style: chr22-40660856-A-G.
Other names: c.622A>G, p.Thr208Ala (NM_015088.3); c.565+2679A>G (NM_001024843.2); short protein forms T208A.
Identifiers: ClinVar variation 3038736 (VCV003038736.2), dbSNP rs182075968, ClinGen allele CA10246552.
Genomic context (GRCh38, chr22:40,264,852, plus strand): 5'-GACAAGGTGATTGTAGACGGGTCTGACATGGAAGAGTGGCCTTGTATTGCCAGCAAAGAC[A>G]CTGAATCTTCTTCCGAAAACACCACCGATAACAACAGTGCCTCGAACCCTGGCTCTGAGA-3'
Protein context (NP_001155973.1, residues 198-218): EEWPCIASKD[Thr208Ala]ESSSENTTDN